The following is an entry in ClinVar:

NM_018685.5(ANLN):c.322C>A (p.Gln108Lys)

Gene: ANLN (anillin, actin binding protein; plus strand). Cytogenetic location: 7p14.2.
Variant type: single nucleotide variant.
Coding change: c.322C>A on transcript NM_018685.5 (MANE Select); coding-DNA position 322, C replaced by A.
Protein change: p.Gln108Lys; replaces glutamine 108 with lysine.
Molecular consequence: missense variant.
Genome position (GRCh38, 1-based): chr7:36,399,228, C>A. VCF-style: chr7-36399228-C-A. GRCh37 (hg19) VCF-style: chr7-36438837-C-A.
Other names: c.322C>A, p.Gln108Lys (NM_001284301.3, NM_001284302.3); short protein forms Q108K.
Identifiers: ClinVar variation 4690780 (VCV004690780.1).
Genomic context (GRCh38, chr7:36,399,228, plus strand): 5'-GTTGAGTCGACATCTGCAAAATCTTGTTCTCCAAGTCCTGTGTCTCCTCAGGTGCAGCCA[C>A]AAGCAGCAGATACCATCAGTGATTCTGTTGCTGTCCCGGCATCACTGCTGGGCATGAGGA-3'
Protein context (NP_061155.2, residues 98-118): PSPVSPQVQP[Gln108Lys]AADTISDSVA

ClinVar aggregate classification (germline): Uncertain significance (1 of 4 stars; one submission).

gnomAD v4.1: 29 of 1,614,152 alleles (0.0018%); highest among the groups gnomAD compares: Non-Finnish European, 0.0024%; no homozygotes.

Submission:

Labcorp Genetics (formerly Invitae), Labcorp
Classification: Uncertain significance. Last evaluated: 2025-10-22. Review status: criteria provided, single submitter. Criteria: Invitae Variant Classification Sherloc (09022015). Collection method: clinical testing. Allele origin: germline.
Comment: This sequence change replaces glutamine, which is neutral and polar, with lysine, which is basic and polar, at codon 108 of the ANLN protein (p.Gln108Lys). This variant is present in population databases (rs762023317, gnomAD 0.002%). This variant has not been reported in the literature in individuals affected with ANLN-related conditions. An algorithm developed to predict the effect of missense changes on protein structure and function (PolyPhen-2) suggests that this variant is likely to be tolerated. In summary, the available evidence is currently insufficient to determine the role of this variant in disease. Therefore, it has been classified as a Variant of Uncertain Significance.